The following is an entry in ClinVar:

ClinVar aggregate classification (germline): Pathogenic/Likely pathogenic. Review status: criteria provided, multiple submitters, no conflicts (2 of 4 stars). 3 submissions from 3 submitters: Pathogenic (2); Likely pathogenic (1). Last evaluated 2025-01-30.

Conditions:
FLVCR1-related disorders.
Posterior column ataxia-retinitis pigmentosa syndrome (RETSNS). Also called: RETINOPATHY-SENSORY NEUROPATHY SYNDROME. Identifiers: Orphanet 88628, MedGen C1836916, MONDO:0012177, OMIM 609033.

Allele frequency attached by ClinVar (database versions not stated): ExAC 0.00002; gnomAD 0.00003; TOPMed 0.00003; ESP Exome Variant Server 0.00008.

Submissions (3):

Labcorp Genetics (formerly Invitae), Labcorp
Classification: Pathogenic. Last evaluated: 2025-01-30. Review status: criteria provided, single submitter. Criteria: Invitae Variant Classification Sherloc (09022015). Collection method: clinical testing. Allele origin: germline.
Comment: This sequence change replaces threonine, which is neutral and polar, with methionine, which is neutral and non-polar, at codon 353 of the FLVCR1 protein (p.Thr353Met). The frequency data for this variant in the population databases is considered unreliable, as metrics indicate poor data quality at this position in the gnomAD database. This missense change has been observed in individual(s) with FLVCR1-related conditions (PMID: 28559085, 32037395; internal data). In at least one individual the data is consistent with being in trans (on the opposite chromosome) from a pathogenic variant. ClinVar contains an entry for this variant (Variation ID: 2151912). Invitae Evidence Modeling of protein sequence and biophysical properties (such as structural, functional, and spatial information, amino acid conservation, physicochemical variation, residue mobility, and thermodynamic stability) indicates that this missense variant is expected to disrupt FLVCR1 protein function with a positive predictive value of 80%. For these reasons, this variant has been classified as Pathogenic.

Victorian Clinical Genetics Services, Murdoch Childrens Research Institute
Classification: Likely pathogenic for Posterior column ataxia-retinitis pigmentosa syndrome. Last evaluated: 2024-10-10. Review status: criteria provided, single submitter. Criteria: ACMG Guidelines, 2015. Collection method: clinical testing. Allele origin: germline. Inheritance: Autosomal recessive inheritance.
Comment: Based on the classification scheme VCGS_Germline_v1.3.5, this variant is classified as Likely pathogenic. Following criteria are met: 0102 - Loss of function is a known mechanism of disease in this gene and is associated with ataxia, posterior column, with retinitis pigmentosa (MIM#609033). (I) 0106 - This gene is associated with autosomal recessive disease. (I) 0200 - Variant is predicted to result in a missense amino acid change from threonine to methionine. (I) 0251 - This variant is heterozygous. (I) 0304 - Variant is present in gnomAD (v4) <0.01 for a recessive condition (49 heterozygotes, 0 homozygotes). (SP) 0309 - Multiple alternative amino acid changes at the same position have been observed in gnomAD (v4) (highest allele count: 2 heterozygotes, 0 homozygotes). (I) 0502 - Missense variant with conflicting in silico predictions and high conservation. (I) 0600 - Variant is located in the annotated major facilitator superfamily domain (DECIPHER). (I) 0705 - No comparable missense variants have previous evidence for pathogenicity. (I) 0803 - This variant has limited previous evidence of pathogenicity in unrelated individuals. This variant has been classified once as pathogenic in a young child with features of retinitis pigmentosa (ClinVar; Invitae personal communications) and once as likely pathogenic in an individual with inherited retinal disease (PMIDs: 32037395, 28559085). (SP) 0905 - No published segregation evidence has been identified for this variant. (I) 1007 - No published functional evidence has been identified for this variant. (I) 1201 - Heterozygous variant detected in trans with a second pathogenic heterozygous variant (NM_014053.3(FLVCR1):c.441_445del; p.(Trp148Valfs*117)) in a recessive disease. (I) Legend: (SP) - Supporting pathogenic, (I) - Information, (SB) - Supporting benign

Blueprint Genetics
Classification: Pathogenic for FLVCR1-related disorders. Last evaluated: 2024-04-25. Review status: criteria provided, single submitter. Criteria: ACMG Guidelines, 2015. Collection method: clinical testing. Allele origin: germline. Affected: yes. Observed: 5 variant alleles.

Literature cited by the submitters: PubMed 28559085 (cited by Labcorp Genetics (formerly Invitae), Labcorp and Victorian Clinical Genetics Services, Murdoch Childrens Research Institute); PubMed 32037395 (cited by Labcorp Genetics (formerly Invitae), Labcorp and Victorian Clinical Genetics Services, Murdoch Childrens Research Institute).

NM_014053.4(FLVCR1):c.1058C>T (p.Thr353Met)

Gene: FLVCR1 (FLVCR choline and heme transporter 1; plus strand). Cytogenetic location: 1q32.3.
Variant type: single nucleotide variant.
Coding change: c.1058C>T on transcript NM_014053.4 (MANE Select); coding-DNA position 1058, C replaced by T.
Protein change: p.Thr353Met; replaces threonine 353 with methionine.
Molecular consequence: missense variant.
Genome position (GRCh38, 1-based): chr1:212,883,404, C>T. VCF-style: chr1-212883404-C-T. GRCh37 (hg19) VCF-style: chr1-213056746-C-T.
Other names: c.1058C>T (NM_014053.3); short protein forms T353M.
Identifiers: ClinVar variation 2151912 (VCV002151912.6), dbSNP rs372728084, ClinGen allele CA1386037.